The following is an entry in ClinVar:

NM_006031.6(PCNT):c.4128_4142dup (p.Ala1381_Leu1382insGlnGluGlnAlaAla)

Gene: PCNT (pericentrin; plus strand). Cytogenetic location: 21q22.3.
Variant type: Duplication.
Coding change: c.4128_4142dup on transcript NM_006031.6 (MANE Select); coding-DNA positions 4128 to 4142, 15 bases duplicated (CCAGGAGCAGGCGGC).
Protein change: p.Ala1381_Leu1382insGlnGluGlnAlaAla.
Molecular consequence: inframe insertion.
Genome position (GRCh38, 1-based): chr21:46,391,288-46,391,302, CCAGGAGCAGGCGGC duplicated; duplicating any 15 consecutive bases within chr21:46,391,278-46,391,302 gives the same sequence; the c. name uses the placement nearest the transcript's 3' end. VCF-style (leftmost placement, unchanged base first): chr21-46391277-C-CAGCAGGCGGCCCAGG. GRCh37 (hg19) VCF-style: chr21-47811192-C-CAGCAGGCGGCCCAGG.
Other names: c.3774_3788dup, p.Ala1263_Leu1264insGlnGluGlnAlaAla (NM_001315529.2).
Identifiers: ClinVar variation 4986048 (VCV004986048.1).

ClinVar aggregate classification (germline): Uncertain significance (1 of 4 stars; one submission).

Conditions:
PCNT-related disorder. Also called: PCNT-related condition.

Submission:

PreventionGenetics, part of Exact Sciences
Classification: Uncertain significance for PCNT-related condition. Last evaluated: 2025-06-13. Review status: criteria provided, single submitter. Criteria: ACMG Guidelines, 2015. Collection method: clinical testing. Allele origin: germline.
Comment: The PCNT c.4128_4142dup15 variant is predicted to result in an in-frame duplication (p.Gln1377_Ala1381dup). To our knowledge, this variant has not been reported in the literature. This variant is reported in 0.0022% of alleles in individuals of European (Non-Finnish) descent in gnomAD. At this time, the clinical significance of this variant is uncertain due to the absence of conclusive functional and genetic evidence.